The following is an entry in ClinVar:

ClinVar aggregate classification (germline): Uncertain significance (1 of 4 stars; one submission).

Conditions:
Dyskeratosis congenita. Identifiers: Orphanet 1775, MedGen C0265965, MONDO:0015780.

gnomAD v4.1: 1 of 1,593,556 alleles (0.000063%); highest among the groups gnomAD compares: Non-Finnish European, 0.000085%; no homozygotes.

Submission:

Ambry Genetics
Classification: Uncertain significance for Dyskeratosis congenita. Last evaluated: 2025-05-25. Review status: criteria provided, single submitter. Criteria: Ambry Variant Classification Scheme 2023. Collection method: clinical testing. Allele origin: germline.
Comment: The p.L197V variant (also known as c.589C>G), located in coding exon 2 of the TERT gene, results from a C to G substitution at nucleotide position 589. The leucine at codon 197 is replaced by valine, an amino acid with highly similar properties. This amino acid position is conserved. In addition, this alteration is predicted to be tolerated by in silico analysis. Based on the available evidence, the clinical significance of this variant remains unclear.

NM_198253.3(TERT):c.589C>G (p.Leu197Val)

Gene: TERT (telomerase reverse transcriptase; minus strand). Cytogenetic location: 5p15.33.
Variant type: single nucleotide variant.
Coding change: c.589C>G on transcript NM_198253.3 (MANE Select); coding-DNA position 589, C replaced by G.
Protein change: p.Leu197Val; replaces leucine 197 with valine.
Molecular consequence: missense variant. On other transcripts: non-coding transcript variant (2).
Genome position (GRCh38, 1-based): chr5:1,294,297, G>C on the plus strand (C>G on the coding strand, the complement: TERT is on the minus strand). VCF-style: chr5-1294297-G-C. GRCh37 (hg19) VCF-style: chr5-1294412-G-C.
Other names: c.589C>G, p.Leu197Val (NM_001193376.3); short protein forms L197V.
Identifiers: ClinVar variation 3967376 (VCV003967376.1).